The following is an entry in ClinVar:

ClinVar aggregate classification (germline): Uncertain significance (1 of 4 stars; one submission).

Conditions:
Fanconi anemia (FA). Also called: Fanconi's anemia. Identifiers: Orphanet 84, MedGen C0015625, MeSH D005199, MONDO:0019391.

Allele frequency attached by ClinVar (database versions not stated): gnomAD exomes below 0.00001; gnomAD 0.00004.
gnomAD v4.1: 13 of 1,614,216 alleles (0.00081%); highest among the groups gnomAD compares: African/African-American, 0.016%; no homozygotes.

Submission:

Sema4
Classification: Uncertain significance for Fanconi anemia. Last evaluated: 2021-07-03. Review status: criteria provided, single submitter. Criteria: Sema4 Curation Guidelines. Collection method: curation. Allele origin: germline.
Comment: The FANCD2 c.1363A>G (p.S455G) variant has not been reported in the literature to our knowledge. This variant was observed in 3/8716 chromosomes in the African/African American population, with no homozygotes, according to the Genome Aggregation Database ((PMID: 32461654). This variant has not been reported in ClinVar. In silico tools suggest the impact of the variant on protein function is benign, though these predictions have not been confirmed by functional studies. The overall evidence is insufficient to meet ACMG/AMP criteria for classifying it as benign or pathogenic. In summary, the clinical significance of this variant is currently uncertain.

NM_001018115.3(FANCD2):c.1363A>G (p.Ser455Gly)

Genes: FANCD2 (FA complementation group D2; plus strand), LOC107303338 (3p25 FANCD2 Alu-mediated recombination region; plus strand). Cytogenetic location: 3p25.3.
Variant type: single nucleotide variant.
Coding change: c.1363A>G on transcript NM_001018115.3 (MANE Select); coding-DNA position 1363, A replaced by G.
Protein change: p.Ser455Gly; replaces serine 455 with glycine.
Molecular consequence: missense variant.
Genome position (GRCh38, 1-based): chr3:10,048,001, A>G. VCF-style: chr3-10048001-A-G. GRCh37 (hg19) VCF-style: chr3-10089685-A-G.
Other names: c.1363A>G, p.Ser455Gly (NM_001319984.2, NM_001374253.1, NM_001374254.1 and 1 more transcripts); short protein forms S455G.
Identifiers: ClinVar variation 1692028 (VCV001692028.1), dbSNP rs112902928, ClinGen allele CA70033735.